The following is an entry in ClinVar:

ClinVar aggregate classification (germline): Likely benign. Review status: criteria provided, multiple submitters, no conflicts (2 of 4 stars). 2 submissions from 2 submitters: Likely benign (2). Last evaluated 2025-12-11.

Allele frequency attached by ClinVar (database versions not stated): ESP Exome Variant Server 0.00120; gnomAD exomes 0.00102 and 0.00075; gnomAD 0.00065 and 0.00066; 1000 Genomes Project 0.00060; 1000 Genomes Project 30x 0.00062; TOPMed 0.00066; ExAC 0.00126.
gnomAD v4.1: 1,554 of 1,609,384 alleles (0.097%); highest among the groups gnomAD compares: Non-Finnish European, 0.13%; 1 homozygote.

Submissions (2):

Labcorp Genetics (formerly Invitae), Labcorp
Classification: Likely benign. Last evaluated: 2025-12-11. Review status: criteria provided, single submitter. Criteria: Invitae Variant Classification Sherloc (09022015). Collection method: clinical testing. Allele origin: germline.

CeGaT Center for Human Genetics Tuebingen
Classification: Likely benign. Last evaluated: 2022-10-01. Review status: criteria provided, single submitter. Criteria: CeGaT Center For Human Genetics Tuebingen Variant Classification Criteria Version 2. Collection method: clinical testing. Allele origin: germline. Affected: yes. Observed: 1 variant allele.
Comment: XPO5: BP4, BP7

NM_020750.3(XPO5):c.942A>G (p.Lys314=)

Genes: XPO5 (exportin 5; minus strand), POLR1C (RNA polymerase I and III subunit C; plus strand). Cytogenetic location: 6p21.1.
Variant type: single nucleotide variant.
Coding change: c.942A>G on transcript NM_020750.3 (MANE Select); coding-DNA position 942, A replaced by G.
Protein change: p.Lys314=; no amino-acid change (lysine 314 retained).
Molecular consequence: synonymous variant. On other transcripts: non-coding transcript variant (1), 3 prime UTR variant (1).
Genome position (GRCh38, 1-based): chr6:43,562,316, T>C on the plus strand (A>G on the coding strand, the complement: XPO5 is on the minus strand). VCF-style: chr6-43562316-T-C. GRCh37 (hg19) VCF-style: chr6-43530053-T-C.
Other names: c.*959T>C (NM_001363658.2).
Identifiers: ClinVar variation 1612297 (VCV001612297.34), dbSNP rs61762967, ClinGen allele CA3826572.